The following is an entry in ClinVar:

NM_007118.4(TRIO):c.8550C>G (p.Pro2850=)

Gene: TRIO (trio Rho guanine nucleotide exchange factor; plus strand). Cytogenetic location: 5p15.2.
Variant type: single nucleotide variant.
Coding change: c.8550C>G on transcript NM_007118.4 (MANE Select); coding-DNA position 8550, C replaced by G.
Protein change: p.Pro2850=; no amino-acid change (proline 2850 retained).
Molecular consequence: synonymous variant. On other transcripts: non-coding transcript variant (1).
Genome position (GRCh38, 1-based): chr5:14,504,531, C>G. VCF-style: chr5-14504531-C-G. GRCh37 (hg19) VCF-style: chr5-14504640-C-G.
Identifiers: ClinVar variation 3341759 (VCV003341759.16).

ClinVar aggregate classification (germline): Likely benign (1 of 4 stars; one submission).

gnomAD v4.1: 18 of 1,614,162 alleles (0.0011%); highest among the groups gnomAD compares: African/African-American, 0.02%; no homozygotes.

Submission:

CeGaT Center for Human Genetics Tuebingen
Classification: Likely benign. Last evaluated: 2024-08-01. Review status: criteria provided, single submitter. Criteria: CeGaT Center For Human Genetics Tuebingen Variant Classification Criteria Version 2. Collection method: clinical testing. Allele origin: germline. Affected: yes. Observed: 1 variant allele.
Comment: TRIO: BP4, BP7